The following is an entry in ClinVar:

ClinVar aggregate classification (germline): Conflicting classifications of pathogenicity. Review status: criteria provided, conflicting classifications (1 of 4 stars). 3 submissions from 3 submitters: Uncertain significance (2); Likely benign (1). Last evaluated 2025-07-20.

Conditions:
Familial cold autoinflammatory syndrome 1 (FCAS1). Also called: Familial cold inflammatory syndrome 1; CRYOPYRIN-ASSOCIATED PERIODIC SYNDROME 1. Identifiers: Orphanet 47045, MedGen C4551895, MONDO:0007349, OMIM 120100.
Keratitis fugax hereditaria. Also called: KERATOENDOTHELIITIS FUGAX HEREDITARIA. Identifiers: Orphanet 647815, MedGen C1835697, MONDO:0007849, OMIM 148200.
Chronic infantile neurological, cutaneous and articular syndrome (CINCA). Also called: CHRONIC NEUROLOGIC CUTANEOUS AND ARTICULAR SYNDROME; CRYOPYRIN-ASSOCIATED PERIODIC SYNDROME 3; CINCA syndrome; Prieur Griscelli syndrome. Identifiers: Orphanet 1451, MedGen C0409818, MONDO:0011776, OMIM 607115.
Hearing loss, autosomal dominant 34, with or without inflammation. Also called: DEAFNESS, AUTOSOMAL DOMINANT 34, WITH OR WITHOUT INFLAMMATION. Identifiers: MedGen C4521680, MONDO:0033261, OMIM 617772.
Familial amyloid nephropathy with urticaria AND deafness (MWS). Also called: CRYOPYRIN-ASSOCIATED PERIODIC SYNDROME 2; Urticaria, deafness and amyloidosis; MUCKLE-WELLS SYNDROME; UDA SYNDROME; URTICARIA-DEAFNESS-AMYLOIDOSIS SYNDROME. Identifiers: Orphanet 575, MedGen C0268390, MONDO:0008633, OMIM 191900.
Cryopyrin associated periodic syndrome (CAPS). Identifiers: Orphanet 208650, MedGen C2316212, MONDO:0016168.

Allele frequency attached by ClinVar (database versions not stated): gnomAD 0.00001; ExAC 0.00002.

Submissions (3):

Labcorp Genetics (formerly Invitae), Labcorp
Classification: Uncertain significance for Cryopyrin associated periodic syndrome. Last evaluated: 2025-07-20. Review status: criteria provided, single submitter. Criteria: Invitae Variant Classification Sherloc (09022015). Collection method: clinical testing. Allele origin: germline.
Comment: This sequence change replaces valine, which is neutral and non-polar, with leucine, which is neutral and non-polar, at codon 945 of the NLRP3 protein (p.Val945Leu). This variant is present in population databases (rs199878892, gnomAD 0.009%). This variant has not been reported in the literature in individuals affected with NLRP3-related conditions. ClinVar contains an entry for this variant (Variation ID: 1359124). Invitae Evidence Modeling of protein sequence and biophysical properties (such as structural, functional, and spatial information, amino acid conservation, physicochemical variation, residue mobility, and thermodynamic stability) indicates that this missense variant is not expected to disrupt NLRP3 protein function with a negative predictive value of 95%. In summary, the available evidence is currently insufficient to determine the role of this variant in disease. Therefore, it has been classified as a Variant of Uncertain Significance.

Fulgent Genetics
Classification: Uncertain significance for Familial cold autoinflammatory syndrome 1; Keratitis fugax hereditaria; Familial amyloid nephropathy with urticaria AND deafness; Chronic infantile neurological, cutaneous and articular syndrome; Hearing loss, autosomal dominant 34, with or without inflammation. Last evaluated: 2024-05-02. Review status: criteria provided, single submitter. Criteria: ACMG Guidelines, 2015. Collection method: clinical testing. Allele origin: germline.

Blueprint Genetics
Classification: Likely benign. Last evaluated: 2022-06-28. Review status: criteria provided, single submitter. Criteria: ACMG Guidelines, 2015. Collection method: clinical testing. Allele origin: germline.

NM_001243133.2(NLRP3):c.2827G>C (p.Val943Leu)

Gene: NLRP3 (NLR family pyrin domain containing 3; plus strand). Cytogenetic location: 1q44.
Variant type: single nucleotide variant.
Coding change: c.2827G>C on transcript NM_001243133.2 (MANE Select); coding-DNA position 2827, G replaced by C.
Protein change: p.Val943Leu; replaces valine 943 with leucine.
Molecular consequence: missense variant.
Genome position (GRCh38, 1-based): chr1:247,444,135, G>C. VCF-style: chr1-247444135-G-C. GRCh37 (hg19) VCF-style: chr1-247607437-G-C.
Other names: c.2827G>C, p.Val943Leu (NM_001079821.3); c.2656G>C, p.Val886Leu (NM_001127461.3, NM_001127462.3); c.2833G>C, p.Val945Leu (NM_004895.5); c.2485G>C, p.Val829Leu (NM_183395.3); c.2833G>C (NM_004895.4); short protein forms V886L, V829L, V943L, V945L.
Identifiers: ClinVar variation 1359124 (VCV001359124.8), dbSNP rs199878892, ClinGen allele CA1495358.